The following is an entry in ClinVar:

NM_001195263.2(PDZD7):c.1408C>T (p.Leu470Phe)

Gene: PDZD7 (PDZ domain containing 7; minus strand). Cytogenetic location: 10q24.31.
Variant type: single nucleotide variant.
Coding change: c.1408C>T on transcript NM_001195263.2 (MANE Select); coding-DNA position 1408, C replaced by T.
Protein change: p.Leu470Phe; replaces leucine 470 with phenylalanine.
Molecular consequence: missense variant.
Genome position (GRCh38, 1-based): chr10:101,018,213, G>A on the plus strand (C>T on the coding strand, the complement: PDZD7 is on the minus strand). VCF-style: chr10-101018213-G-A. GRCh37 (hg19) VCF-style: chr10-102777970-G-A.
Other names: c.1436C>T, p.Pro479Leu (NM_001351044.2); c.1408C>T, p.Leu470Phe (NM_024895.5); short protein forms L470F, P479L.
Identifiers: ClinVar variation 1004567 (VCV001004567.7), dbSNP rs1462342137, ClinGen allele CA378228109.

ClinVar aggregate classification (germline): Uncertain significance (1 of 4 stars; one submission).

Allele frequency attached by ClinVar (database versions not stated): gnomAD exomes below 0.00001; gnomAD 0.00001.
gnomAD v4.1: 2 of 1,614,098 alleles (0.00012%); highest among the groups gnomAD compares: Non-Finnish European, 0.00017%; no homozygotes.

Submission:

Labcorp Genetics (formerly Invitae), Labcorp
Classification: Uncertain significance. Last evaluated: 2020-07-22. Review status: criteria provided, single submitter. Criteria: Invitae Variant Classification Sherloc (09022015). Collection method: clinical testing. Allele origin: germline.
Comment: In summary, the available evidence is currently insufficient to determine the role of this variant in disease. Therefore, it has been classified as a Variant of Uncertain Significance. Algorithms developed to predict the effect of missense changes on protein structure and function are either unavailable or do not agree on the potential impact of this missense change (SIFT: "Deleterious"; PolyPhen-2: "Not Available"; Align-GVGD: "Class C0"). This variant has not been reported in the literature in individuals with PDZD7-related conditions. This variant is not present in population databases (ExAC no frequency). This sequence change replaces leucine with phenylalanine at codon 470 of the PDZD7 protein (p.Leu470Phe). The leucine residue is moderately conserved and there is a small physicochemical difference between leucine and phenylalanine.